The following is an entry in ClinVar:

ClinVar aggregate classification (germline): Uncertain significance. Review status: criteria provided, single submitter (1 of 4 stars). 2 submissions from 2 submitters: Uncertain significance (1). 1 of the submissions does not count toward it. Last evaluated 2019-03-22.

Conditions:
RASopathy. Also called: rasopathies; Noonan spectrum disorder. Identifiers: Orphanet 536391, MedGen C5555857, MONDO:0021060.
RAF1-related disorder. Also called: RAF1-related condition; RAF1-related disorders.

Submissions (2):

Labcorp Genetics (formerly Invitae), Labcorp
Classification: Uncertain significance for RASopathy. Last evaluated: 2019-03-22. Review status: criteria provided, single submitter. Criteria: Invitae Variant Classification Sherloc (09022015). Collection method: clinical testing. Allele origin: germline.
Comment: In summary, the available evidence is currently insufficient to determine the role of this variant in disease. Therefore, it has been classified as a Variant of Uncertain Significance. Algorithms developed to predict the effect of missense changes on protein structure and function (SIFT, PolyPhen-2, Align-GVGD) all suggest that this variant is likely to be tolerated, but these predictions have not been confirmed by published functional studies and their clinical significance is uncertain. This variant has not been reported in the literature in individuals with RAF1-related conditions. This variant is not present in population databases (ExAC no frequency). This sequence change replaces arginine with leucine at codon 333 of the RAF1 protein (p.Arg333Leu). The arginine residue is highly conserved and there is a moderate physicochemical difference between arginine and leucine.

PreventionGenetics, part of Exact Sciences
Classification: Uncertain significance for RAF1-related condition. Last evaluated: 2024-03-22. Review status: no assertion criteria provided. Collection method: clinical testing. Allele origin: germline. Not counted in ClinVar's aggregate classification.
Comment: The RAF1 c.998G>T variant is predicted to result in the amino acid substitution p.Arg333Leu. To our knowledge, this variant has not been reported in the literature or in a large population database, indicating this variant is rare. At this time, the clinical significance of this variant is uncertain due to the absence of conclusive functional and genetic evidence.

NM_002880.4(RAF1):c.998G>T (p.Arg333Leu)

Gene: RAF1 (Raf-1 proto-oncogene, serine/threonine kinase; minus strand). Cytogenetic location: 3p25.2.
Variant type: single nucleotide variant.
Coding change: c.998G>T on transcript NM_002880.4 (MANE Select); coding-DNA position 998, G replaced by T.
Protein change: p.Arg333Leu; replaces arginine 333 with leucine.
Molecular consequence: missense variant. On other transcripts: non-coding transcript variant (3).
Genome position (GRCh38, 1-based): chr3:12,599,801, C>A on the plus strand (G>T on the coding strand, the complement: RAF1 is on the minus strand). VCF-style: chr3-12599801-C-A. GRCh37 (hg19) VCF-style: chr3-12641300-C-A.
Other names: c.1058G>T, p.Arg353Leu (NM_001354689.3); c.998G>T, p.Arg333Leu (NM_001354690.3); c.755G>T, p.Arg252Leu (NM_001354691.3, NM_001354692.3); c.899G>T, p.Arg300Leu (NM_001354693.3); c.815G>T, p.Arg272Leu (NM_001354694.3); c.656G>T, p.Arg219Leu (NM_001354695.3); short protein forms R333L, R219L, R272L, R252L, R300L, R353L.
Identifiers: ClinVar variation 842551 (VCV000842551.10), dbSNP rs755384884, ClinGen allele CA351508015.